The following is an entry in ClinVar:

NM_181552.4(CUX1):c.3750_3751dup (p.Leu1251fs)

Gene: CUX1 (cut like homeobox 1; plus strand). Cytogenetic location: 7q22.1.
Variant type: Duplication.
Coding change: c.3750_3751dup on transcript NM_181552.4 (MANE Select); coding-DNA positions 3750 to 3751, 2 bases duplicated (GC; older notation c.3750_3751dupGC).
Protein change: p.Leu1251fs; shifts the reading frame from leucine 1251.
Molecular consequence: frameshift variant. On other transcripts: intron variant (5).
Genome position (GRCh38, 1-based): chr7:102,239,447-102,239,448, GC duplicated. VCF-style (leftmost placement, unchanged base first): chr7-102239446-T-TGC. GRCh37 (hg19) VCF-style: chr7-101882726-T-TGC.
Other names: c.3783_3784dup, p.Leu1262fs (NM_001202543.2); c.1256-33919_1256-33918dup (NM_001913.5); c.1250-33919_1250-33918dup (NM_181500.4); c.1118-33919_1118-33918dup (NM_001202545.3); c.1208-33919_1208-33918dup (NM_001202544.3); c.1139-33919_1139-33918dup (NM_001202546.3); short protein forms L1251fs, L1262fs.
Identifiers: ClinVar variation 618993 (VCV000618993.4), dbSNP rs1563470335, ClinGen allele CA913189810.

ClinVar aggregate classification (germline): Likely pathogenic. Review status: criteria provided, single submitter (1 of 4 stars). 2 submissions from 2 submitters: Likely pathogenic (1). 1 of the submissions does not count toward it. Last evaluated 2018-08-31.

Conditions:
Global developmental delay with or without impaired intellectual development. Identifiers: MedGen C5193032, MONDO:0032680, OMIM 618330.

Submissions (2):

Institute of Human Genetics, University of Leipzig Medical Center
Classification: Likely pathogenic for Global developmental delay with or without impaired intellectual development. Last evaluated: 2018-08-31. Review status: criteria provided, single submitter. Criteria: ACMG Guidelines, 2015. Collection method: clinical testing. Allele origin: de novo. Affected: yes.
Comment: This variant was identified as de novo (maternity and paternity confirmed).

OMIM
Classification: Pathogenic for NEURODEVELOPMENTAL DISORDER WITH DEVELOPMENTAL DELAY AND MOTOR AND SPEECH DELAY. Last evaluated: 2025-04-09. Review status: no assertion criteria provided. Collection method: literature only. Allele origin: germline. Not counted in ClinVar's aggregate classification.

Literature cited by the submitters: PubMed 30014507 (cited by Institute of Human Genetics, University of Leipzig Medical Center and OMIM).